The following is an entry in ClinVar:

ClinVar aggregate classification (germline): Uncertain significance. Review status: criteria provided, multiple submitters, no conflicts (2 of 4 stars). 3 submissions from 3 submitters: Uncertain significance (3). Last evaluated 2026-05-13.

Conditions:
Chuvash polycythemia. Also called: POLYCYTHEMIA, VHL-DEPENDENT. Identifiers: Orphanet 238557, MedGen C1837915, MONDO:0009892, OMIM 263400.
Von Hippel-Lindau syndrome (VHLS). Also called: von Hippel–Lindau syndrome; VHL syndrome; Von Hippel-Lindau. Identifiers: Orphanet 892, MedGen C0019562, MONDO:0008667, OMIM 193300. Disease mechanism: loss of function.
Hereditary cancer-predisposing syndrome. Also called: Neoplastic Syndromes, Hereditary; Tumor predisposition; Hereditary neoplastic syndrome; Hereditary Cancer Syndrome. Identifiers: Orphanet 140162, MedGen C0027672, MeSH D009386, MONDO:0015356.

Allele frequency attached by ClinVar (database versions not stated): gnomAD exomes below 0.00001.
gnomAD v4.1: 2 of 1,600,730 alleles (0.00012%); highest among the groups gnomAD compares: Non-Finnish European, 0.00017%; no homozygotes.

Submissions (3):

Ambry Genetics
Classification: Uncertain significance for Hereditary cancer-predisposing syndrome. Last evaluated: 2026-05-13. Review status: criteria provided, single submitter. Criteria: Ambry Variant Classification Scheme 2023. Collection method: clinical testing. Allele origin: germline.
Comment: The p.E94K variant (also known as c.280G>A), located in coding exon 1 of the VHL gene, results from a G to A substitution at nucleotide position 280. The glutamic acid at codon 94 is replaced by lysine, an amino acid with similar properties. In an assay testing VHL function, this variant showed a functionally normal result (Buckley M et al. Nat Genet, 2024 Jul;56:1446-1455). This amino acid position is well conserved in available vertebrate species. In addition, the in silico prediction for this alteration is inconclusive. Based on the available evidence, the clinical significance of this variant remains unclear.

Labcorp Genetics (formerly Invitae), Labcorp
Classification: Uncertain significance for Von Hippel-Lindau syndrome; Chuvash polycythemia. Last evaluated: 2025-02-09. Review status: criteria provided, single submitter. Criteria: Invitae Variant Classification Sherloc (09022015). Collection method: clinical testing. Allele origin: germline.
Comment: This sequence change replaces glutamic acid, which is acidic and polar, with lysine, which is basic and polar, at codon 94 of the VHL protein (p.Glu94Lys). This variant is not present in population databases (gnomAD no frequency). This missense change has been observed in individual(s) with von Hippel-Lindau syndrome (PMID: 25952756). ClinVar contains an entry for this variant (Variation ID: 135955). Invitae Evidence Modeling of protein sequence and biophysical properties (such as structural, functional, and spatial information, amino acid conservation, physicochemical variation, residue mobility, and thermodynamic stability) indicates that this missense variant is expected to disrupt VHL protein function with a positive predictive value of 80%. In summary, the available evidence is currently insufficient to determine the role of this variant in disease. Therefore, it has been classified as a Variant of Uncertain Significance.

All of Us Research Program, National Institutes of Health
Classification: Uncertain significance for Von Hippel-Lindau syndrome. Last evaluated: 2024-06-09. Review status: criteria provided, single submitter. Criteria: ACMG Guidelines, 2015. Collection method: clinical testing. Allele origin: germline. Inheritance: Autosomal dominant inheritance. Observed: 2 variant alleles, 2 heterozygotes.
Comment: This missense variant replaces glutamic acid with lysine at codon 94 of the VHL protein. Computational prediction is inconclusive regarding the impact of this variant on protein structure and function (internally defined REVEL score threshold 0.5 < inconclusive < 0.7, PMID: 27666373). To our knowledge, functional studies have not been reported for this variant. This variant has been reported in one individual affected with von Hippel-Lindau syndrome (PMID: 25952756). This variant has been identified in 1/224192 chromosomes in the general population by the Genome Aggregation Database (gnomAD). The available evidence is insufficient to determine the role of this variant in disease conclusively. Therefore, this variant is classified as a Variant of Uncertain Significance.

This study involves interpretation of variants in research participants for the purpose of population health screening. Participant phenotype was not available at the time of variant classification. Additional details can be found in publication PMID: 35346344, PMCID: PMC8962531

Literature cited by the submitters: PubMed 25952756 (cited by 3 submitters); PubMed 38969834 (cited by Ambry Genetics).

NM_000551.4(VHL):c.280G>A (p.Glu94Lys)

Gene: VHL (von Hippel-Lindau tumor suppressor; plus strand). Cytogenetic location: 3p25.3.
Variant type: single nucleotide variant.
Coding change: c.280G>A on transcript NM_000551.4 (MANE Select); coding-DNA position 280, G replaced by A.
Protein change: p.Glu94Lys; replaces glutamic acid 94 with lysine.
Molecular consequence: missense variant.
Genome position (GRCh38, 1-based): chr3:10,142,127, G>A. VCF-style: chr3-10142127-G-A. GRCh37 (hg19) VCF-style: chr3-10183811-G-A.
Other names: c.280G>A, p.Glu94Lys (NM_001354723.2, NM_198156.3); short protein forms E94K.
Identifiers: ClinVar variation 135955 (VCV000135955.17), dbSNP rs5030829, ClinGen allele CA020237.